The following is an entry in ClinVar:

ClinVar aggregate classification (germline): Uncertain significance. Review status: reviewed by expert panel (3 of 4 stars). 9 submissions from 9 submitters: Uncertain significance (1). 8 of the submissions do not count toward it. Last evaluated 2025-11-04.

Conditions:
Glycogen storage disease, type II (IOPD). Also called: CARDIOMEGALIA GLYCOGENICA DIFFUSA; GLYCOGENOSIS, GENERALIZED, CARDIAC FORM; GSD II; Glycogen storage disease type 2; Acid maltase deficiency disease; Aglucosidase alfa. Identifiers: Orphanet 365, MedGen C0017921, MONDO:0009290, OMIM 232300.

Allele frequency attached by ClinVar (database versions not stated): gnomAD 0.00001; TOPMed 0.00003.

Submissions (9):

ClinGen Lysosomal Storage Disorder Variant Curation Expert Panel
Classification: Uncertain significance for Glycogen storage disease, type II. Last evaluated: 2025-11-04. Review status: reviewed by expert panel. Criteria: clingen_lsd_acmg_specifications_v2-1. Collection method: curation. Allele origin: germline. Inheritance: Autosomal recessive inheritance.
Comment: The NM_000152.5:c.316C>T variant in GAA is a missense variant predicted to cause substitution of arginine by cysteine at amino acid 106 (p.Arg106Cys). The variant has been detected in at least two individuals with suspected late-onset Pompe disease identified by newborn screening. One of those individuals was compound heterozygous for the variant and a pathogenic variant in GAA, c.-32-13T>G (ClinVar Variation ID: 4027), confirmed in trans by parental testing (PMID: 36246652, 37670900); this patient reportedly had abnormalities on muscle ultrasound and mild gross motor delays (PM3). The genotype of another newborn screening case is unknown (PMID: 33073007). The highest population minor allele frequency in gnomAD v4.1.0. is 0.00001668 (1/59968 alleles) in the Admixed American population, which is lower than the ClinGen Lysosomal Diseases VCEP’s threshold for PM2_Supporting (<0.001), meeting this criterion (PM2_Supporting). Expression of the variant in HEK293 cells resulted in 10.7% GAA activity and the evidence of reduced protein relative to activity and normal processing on western blot, indicating that variant may impact protein function (PMID-36246652). The computational predictor REVEL gives a score of 0.567 which is is neither above nor below the thresholds predicting a damaging (>0.7) or benign (<0.5) impact on GAA function. Two other missense variants c.316C>G (p.Arg106Gly) (ClinVar variation ID: 840775 ) and c.317G>A (p.Arg106His) (PMID-31076647), in the same codon have been reported in patients identified by newborn screen. However, these variants have been classified as variants of uncertain significance by the ClinGen Lysosomal Diseases VCEP and, therefore this evidence is not sufficient to meet PM5 at any strength. There is a ClinVar entry for this variant (Variation ID: 971945). In summary this variant meets the criteria to be classified as a variant of uncertain significance for Pome disease. GAA-specific ACMG/AMP criteria met, based on the specifications of the ClinGen Lysosomal Diseases Variant Curation Expert Panel (Specifications Version 2.0): PM3, PM2_Supporting, PS3_Supporting (Classification approved by the ClinGen Lysosomal Diseases Variant Curation Expert Panel on Nov 4, 2025).

Genomenon, Inc
Classification: Uncertain significance for Glycogen storage disease, type II. Last evaluated: 2026-07-01. Review status: criteria provided, single submitter. Criteria: Genomenon Sequence Variant Interpretation Standards - Updated. Collection method: curation. Allele origin: germline. Affected: yes. Not counted in ClinVar's aggregate classification.
Comment: GAA p.Arg106Cys (c.316C>T) is a missense variant that changes the amino acid at codon 106 from Arginine to Cysteine. This variant has been observed in at least one proband with a GAA-related disorder in the compound heterozygous and/or homozygous state (PMID:36246652). At least one functional study has demonstrated a substantial alteration in protein function relative to the wild-type (PMID:36246652). It is absent or not present at a significant frequency in gnomAD. In conclusion, we classify GAA p.Arg106Cys (c.316C>T) as a variant of uncertain significance.

Myriad Genetics, Inc.
Classification: Uncertain significance for Glycogen storage disease, type II. Last evaluated: 2026-05-14. Review status: criteria provided, single submitter. Criteria: Myriad Autosomal Dominant, Autosomal Recessive and X-Linked Classification Criteria (2023). Collection method: clinical testing. Allele origin: unknown. Not counted in ClinVar's aggregate classification.
Comment: NM_000152.3(GAA):c.316C>T(R106C) is a missense variant classified as a variant of uncertain significance in the context of Pompe disease. R106C has been observed in cases with relevant disease (PMID: 35123877, 40225932). Relevant functional assessments of this variant are available in the literature (PMID: 36246652). R106C has been observed in referenced population frequency databases. In summary, there is insufficient evidence to classify NM_000152.3(GAA):c.316C>T(R106C) as pathogenic or benign. Please note: this variant was assessed in the context of healthy population screening.

Labcorp Genetics (formerly Invitae), Labcorp
Classification: Likely pathogenic for Glycogen storage disease, type II. Last evaluated: 2025-12-02. Review status: criteria provided, single submitter. Criteria: Invitae Variant Classification Sherloc (09022015). Collection method: clinical testing. Allele origin: germline. Not counted in ClinVar's aggregate classification.
Comment: This sequence change replaces arginine, which is basic and polar, with cysteine, which is neutral and slightly polar, at codon 106 of the GAA protein (p.Arg106Cys). The frequency data for this variant in the population databases is considered unreliable, as metrics indicate poor data quality at this position in the gnomAD database. This missense change has been observed in individual(s) with late-onset Pompe disease (PMID: 33073007, 35123877). In at least one individual the data is consistent with being in trans (on the opposite chromosome) from a pathogenic variant. ClinVar contains an entry for this variant (Variation ID: 971945). Invitae Evidence Modeling of protein sequence and biophysical properties (such as structural, functional, and spatial information, amino acid conservation, physicochemical variation, residue mobility, and thermodynamic stability) indicates that this missense variant is expected to disrupt GAA protein function with a positive predictive value of 95%. Experimental studies have shown that this missense change affects GAA function (PMID: 36246652). This variant disrupts the p.Arg106 amino acid residue in GAA. Other variant(s) that disrupt this residue have been determined to be pathogenic (PMID: 31076647). This suggests that this residue is clinically significant, and that variants that disrupt this residue are likely to be disease-causing. In summary, the currently available evidence indicates that the variant is pathogenic, but additional data are needed to prove that conclusively. Therefore, this variant has been classified as Likely Pathogenic.

Natera, Inc.
Classification: Likely pathogenic for Glycogen storage disease type II. Last evaluated: 2025-09-30. Review status: criteria provided, single submitter. Criteria: Natera Variant Classification Schema (03/2026). Collection method: clinical testing. Allele origin: germline. Not counted in ClinVar's aggregate classification.
Comment: The c.316C>T variant in GAA is a missense variant predicted to cause substitution of arginine to cysteine at amino acid 106. This variant is rare in the general population with a frequency below the threshold expected for the associated phenotype(s). This variant has been observed in one or more individuals affected with the associated recessive disease, as either homozygous or compound heterozygous with a second variant (PMID: 35123877). Functional studies show that this variant may disrupt protein function (PMID: 36246652). Computational prediction algorithms indicate this variant is likely to affect gene or protein function. Given the available evidence, this variant is classified as Likely Pathogenic.

Dasa
Classification: Uncertain significance. Last evaluated: 2025-06-02. Review status: criteria provided, single submitter. Criteria: DASA Assertion Criteria. Collection method: clinical testing. Allele origin: germline. Not counted in ClinVar's aggregate classification.
Comment: NM_000152.5(GAA):c.316C>T (p.Arg106Cys) is a missense variant that results in the substitution of arginine with cysteine. This variant has been recurrently observed in individuals with GAA-related disorders (PMID: 33073007; PMID: 36246652; PMID: 37670900). Functional evidence supports an impact on the gene or gene product (PMID: 33073007; PMID: 36246652; PMID: 37670900). Also, this variant is rare in population databases. The currently available literature and clinical evidence are not sufficient to establish a definitive association between this variant and the reported condition. Therefore, this variant is classified as a variant of uncertain significance.

Mayo Clinic Laboratories, Mayo Clinic
Classification: Uncertain significance. Last evaluated: 2024-08-22. Review status: criteria provided, single submitter. Criteria: ACMG Guidelines, 2015. Collection method: clinical testing. Allele origin: germline. Observed: 1 variant allele. Not counted in ClinVar's aggregate classification.
Comment: PM2, PM3, PS3_supporting

Fulgent Genetics
Classification: Likely pathogenic for Glycogen storage disease, type II. Last evaluated: 2024-05-30. Review status: criteria provided, single submitter. Criteria: ACMG Guidelines, 2015. Collection method: clinical testing. Allele origin: germline. Not counted in ClinVar's aggregate classification.

Revvity Omics, Revvity
Classification: Uncertain significance. Last evaluated: 2023-10-26. Review status: criteria provided, single submitter. Criteria: ACMG Guidelines, 2015. Collection method: clinical testing. Allele origin: germline. Not counted in ClinVar's aggregate classification.

Literature cited by the submitters: PubMed 36246652 (cited by 6 submitters); PubMed 35123877 (cited by 3 submitters); PubMed 40225932 (cited by Myriad Genetics, Inc.); PubMed 33073007 (cited by 3 submitters); PubMed 31076647 (cited by Labcorp Genetics (formerly Invitae), Labcorp and Mayo Clinic Laboratories, Mayo Clinic); PubMed 37670900 (cited by Dasa and Mayo Clinic Laboratories, Mayo Clinic).

NM_000152.5(GAA):c.316C>T (p.Arg106Cys)

Gene: GAA (alpha glucosidase; plus strand). Cytogenetic location: 17q25.3.
Variant type: single nucleotide variant.
Coding change: c.316C>T on transcript NM_000152.5 (MANE Select); coding-DNA position 316, C replaced by T.
Protein change: p.Arg106Cys; replaces arginine 106 with cysteine.
Molecular consequence: missense variant.
Genome position (GRCh38, 1-based): chr17:80,104,902, C>T. VCF-style: chr17-80104902-C-T. GRCh37 (hg19) VCF-style: chr17-78078701-C-T.
Other names: NM_000152.5(GAA):c.316C>T; p.Arg106Cys; c.316C>T, p.Arg106Cys (NM_001079803.3, NM_001079804.3); c.316C>T (NM_000152.4); short protein forms R106C.
Identifiers: ClinVar variation 971945 (VCV000971945.23), dbSNP rs915675670, ClinGen allele CA294887086.